The following is an entry in ClinVar:

NM_001264.5(CDSN):c.575C>T (p.Pro192Leu)

Genes: CDSN (corneodesmosin; minus strand), PSORS1C1 (psoriasis susceptibility 1 candidate 1; plus strand). Cytogenetic location: 6p21.33.
Variant type: single nucleotide variant.
Coding change: c.575C>T on transcript NM_001264.5 (MANE Select); coding-DNA position 575, C replaced by T.
Protein change: p.Pro192Leu; replaces proline 192 with leucine.
Molecular consequence: missense variant. On other transcripts: intron variant (1).
Genome position (GRCh38, 1-based): chr6:31,117,040, G>A on the plus strand (C>T on the coding strand, the complement: CDSN is on the minus strand). VCF-style: chr6-31117040-G-A. GRCh37 (hg19) VCF-style: chr6-31084817-G-A.
Other names: c.575C>T (NM_001264.4); c.-229+2149G>A (NM_014068.3); short protein forms P192L.
Identifiers: ClinVar variation 2068522 (VCV002068522.29), dbSNP rs150898829, ClinGen allele CA3708466.

ClinVar aggregate classification (germline): Likely benign. Review status: criteria provided, multiple submitters, no conflicts (2 of 4 stars). 3 submissions from 3 submitters: Likely benign (3). Last evaluated 2025-09-15.

Conditions:
Inborn genetic diseases. Identifiers: MedGen C0950123, MeSH D030342.

Allele frequency attached by ClinVar (database versions not stated): gnomAD exomes 0.00019; ExAC 0.00036; ESP Exome Variant Server 0.00077; gnomAD 0.00084; 1000 Genomes Project 0.00100; 1000 Genomes Project 30x 0.00109; TOPMed 0.00126.
gnomAD v4.1: 413 of 1,614,252 alleles (0.026%); highest among the groups gnomAD compares: African/African-American, 0.28%; no homozygotes.

Submissions (3):

Labcorp Genetics (formerly Invitae), Labcorp
Classification: Likely benign. Last evaluated: 2025-09-15. Review status: criteria provided, single submitter. Criteria: Invitae Variant Classification Sherloc (09022015). Collection method: clinical testing. Allele origin: germline.

Ambry Genetics
Classification: Likely benign for Inborn genetic diseases. Last evaluated: 2025-08-03. Review status: criteria provided, single submitter. Criteria: Ambry Variant Classification Scheme 2023. Collection method: clinical testing. Allele origin: germline.

CeGaT Center for Human Genetics Tuebingen
Classification: Likely benign. Last evaluated: 2023-09-01. Review status: criteria provided, single submitter. Criteria: CeGaT Center For Human Genetics Tuebingen Variant Classification Criteria Version 2. Collection method: clinical testing. Allele origin: germline. Affected: yes. Observed: 1 variant allele.
Comment: CDSN: BP4